The following is an entry in ClinVar:

NM_014639.4(SKIC3):c.4653T>A (p.Asp1551Glu)

Gene: SKIC3 (SKI3 subunit of superkiller complex; minus strand). Cytogenetic location: 5q15.
Variant type: single nucleotide variant.
Coding change: c.4653T>A on transcript NM_014639.4 (MANE Select); coding-DNA position 4653, T replaced by A.
Protein change: p.Asp1551Glu; replaces aspartic acid 1551 with glutamic acid.
Molecular consequence: missense variant.
Genome position (GRCh38, 1-based): chr5:95,464,649, A>T on the plus strand (T>A on the coding strand, the complement: SKIC3 is on the minus strand). VCF-style: chr5-95464649-A-T. GRCh37 (hg19) VCF-style: chr5-94800353-A-T.
Other names: short protein forms D1551E.
Identifiers: ClinVar variation 2117237 (VCV002117237.4), dbSNP rs1745993668, ClinGen allele CA360456814.

ClinVar aggregate classification (germline): Uncertain significance (1 of 4 stars; one submission).

Submission:

Labcorp Genetics (formerly Invitae), Labcorp
Classification: Uncertain significance. Last evaluated: 2024-10-14. Review status: criteria provided, single submitter. Criteria: Invitae Variant Classification Sherloc (09022015). Collection method: clinical testing. Allele origin: germline.
Comment: This sequence change replaces aspartic acid, which is acidic and polar, with glutamic acid, which is acidic and polar, at codon 1551 of the TTC37 protein (p.Asp1551Glu). This variant is not present in population databases (gnomAD no frequency). This variant has not been reported in the literature in individuals affected with TTC37-related conditions. ClinVar contains an entry for this variant (Variation ID: 2117237). An algorithm developed to predict the effect of missense changes on protein structure and function (PolyPhen-2) suggests that this variant is likely to be disruptive. In summary, the available evidence is currently insufficient to determine the role of this variant in disease. Therefore, it has been classified as a Variant of Uncertain Significance.